The following is an entry in ClinVar:

ClinVar aggregate classification (germline): Uncertain significance (1 of 4 stars; one submission).

gnomAD v4.1: 1 of 1,614,008 alleles (0.000062%); highest among the groups gnomAD compares: African/African-American, 0.0013%; no homozygotes.

Submission:

Labcorp Genetics (formerly Invitae), Labcorp
Classification: Uncertain significance. Last evaluated: 2023-08-23. Review status: criteria provided, single submitter. Criteria: Invitae Variant Classification Sherloc (09022015). Collection method: clinical testing. Allele origin: germline.
Comment: In summary, the available evidence is currently insufficient to determine the role of this variant in disease. Therefore, it has been classified as a Variant of Uncertain Significance. This sequence change replaces threonine, which is neutral and polar, with arginine, which is basic and polar, at codon 628 of the CLCN6 protein (p.Thr628Arg). This variant is not present in population databases (gnomAD no frequency). This variant has not been reported in the literature in individuals affected with CLCN6-related conditions. An algorithm developed to predict the effect of missense changes on protein structure and function (PolyPhen-2) suggests that this variant is likely to be disruptive.

NM_001286.5(CLCN6):c.1883C>G (p.Thr628Arg)

Gene: CLCN6 (chloride voltage-gated channel 6; plus strand). Cytogenetic location: 1p36.22.
Variant type: single nucleotide variant.
Coding change: c.1883C>G on transcript NM_001286.5 (MANE Select); coding-DNA position 1883, C replaced by G.
Protein change: p.Thr628Arg; replaces threonine 628 with arginine.
Molecular consequence: missense variant. On other transcripts: non-coding transcript variant (1).
Genome position (GRCh38, 1-based): chr1:11,836,056, C>G. VCF-style: chr1-11836056-C-G. GRCh37 (hg19) VCF-style: chr1-11896113-C-G.
Other names: c.1817C>G, p.Thr606Arg (NM_001256959.2); short protein forms T606R, T628R.
Identifiers: ClinVar variation 2980375 (VCV002980375.3), dbSNP rs747812996, ClinGen allele CA338438179.